The following is an entry in ClinVar:

NM_017636.4(TRPM4):c.3323A>G (p.His1108Arg)

Gene: TRPM4 (transient receptor potential cation channel subfamily M member 4; plus strand). Cytogenetic location: 19q13.33.
Variant type: single nucleotide variant.
Coding change: c.3323A>G on transcript NM_017636.4 (MANE Select); coding-DNA position 3323, A replaced by G.
Protein change: p.His1108Arg; replaces histidine 1108 with arginine.
Molecular consequence: missense variant.
Genome position (GRCh38, 1-based): chr19:49,210,400, A>G. VCF-style: chr19-49210400-A-G. GRCh37 (hg19) VCF-style: chr19-49713657-A-G.
Other names: c.2888A>G, p.His963Arg (NM_001195227.2); c.2978A>G, p.His993Arg (NM_001321281.2); c.1715A>G, p.His572Arg (NM_001321282.2); c.2801A>G, p.His934Arg (NM_001321283.2); c.2261A>G, p.His754Arg (NM_001321285.2); short protein forms H1108R, H754R, H934R, H572R, H963R, H993R.
Identifiers: ClinVar variation 566654 (VCV000566654.8), dbSNP rs1568497944, ClinGen allele CA406772218.

ClinVar aggregate classification (germline): Uncertain significance (1 of 4 stars; one submission).

Conditions:
Progressive familial heart block type IB (PFHB1B). Identifiers: Orphanet 871, MedGen C1970298, MONDO:0011474, OMIM 604559.

Submission:

Labcorp Genetics (formerly Invitae), Labcorp
Classification: Uncertain significance for Progressive familial heart block type IB. Last evaluated: 2018-02-20. Review status: criteria provided, single submitter. Criteria: Invitae Variant Classification Sherloc (09022015). Collection method: clinical testing. Allele origin: germline.
Comment: Algorithms developed to predict the effect of missense changes on protein structure and function output the following: SIFT: "Tolerated"; PolyPhen-2: "Benign"; Align-GVGD: "Class C0". The arginine amino acid residue is found in multiple mammalian species, suggesting that this missense change does not adversely affect protein function. These predictions have not been confirmed by published functional studies and their clinical significance is uncertain. In summary, the available evidence is currently insufficient to determine the role of this variant in disease. Therefore, it has been classified as a Variant of Uncertain Significance. This variant has not been reported in the literature in individuals with TRPM4-related disease. This variant is not present in population databases (ExAC no frequency). This sequence change replaces histidine with arginine at codon 1108 of the TRPM4 protein (p.His1108Arg). The histidine residue is moderately conserved and there is a small physicochemical difference between histidine and arginine.